The following is an entry in ClinVar:

ClinVar aggregate classification (germline): Uncertain significance (1 of 4 stars; one submission).

Conditions:
Mendelian susceptibility to mycobacterial diseases due to complete ISG15 deficiency. Also called: Immunodeficiency 38 with basal ganglia calcification; IMMUNODEFICIENCY 38, MYCOBACTERIOSIS, AUTOSOMAL RECESSIVE; ISG15 DEFICIENCY, AUTOSOMAL RECESSIVE; Immunodeficiency 38. Identifiers: Orphanet 319563, MedGen C4015293, MONDO:0014502, OMIM 616126.

Allele frequency attached by ClinVar (database versions not stated): ExAC below 0.00001; gnomAD exomes below 0.00001.

Submission:

Labcorp Genetics (formerly Invitae), Labcorp
Classification: Uncertain significance for Mendelian susceptibility to mycobacterial diseases due to complete ISG15 deficiency. Last evaluated: 2020-10-10. Review status: criteria provided, single submitter. Criteria: Invitae Variant Classification Sherloc (09022015). Collection method: clinical testing. Allele origin: germline.
Comment: This sequence change replaces valine with leucine at codon 25 of the ISG15 protein (p.Val25Leu). The valine residue is moderately conserved and there is a small physicochemical difference between valine and leucine. The frequency data for this variant in the population databases is considered unreliable, as metrics indicate poor data quality at this position in the ExAC database. This variant has not been reported in the literature in individuals with ISG15-related conditions. Algorithms developed to predict the effect of missense changes on protein structure and function output the following: SIFT: "Tolerated"; PolyPhen-2: "Benign"; Align-GVGD: "Class C0". The leucine amino acid residue is found in multiple mammalian species, suggesting that this missense change does not adversely affect protein function. These predictions have not been confirmed by published functional studies and their clinical significance is uncertain. In summary, the available evidence is currently insufficient to determine the role of this variant in disease. Therefore, it has been classified as a Variant of Uncertain Significance.

NM_005101.4(ISG15):c.73G>T (p.Val25Leu)

Gene: ISG15 (ISG15 ubiquitin like modifier; plus strand). Cytogenetic location: 1p36.33.
Variant type: single nucleotide variant.
Coding change: c.73G>T on transcript NM_005101.4 (MANE Select); coding-DNA position 73, G replaced by T.
Protein change: p.Val25Leu; replaces valine 25 with leucine.
Molecular consequence: missense variant.
Genome position (GRCh38, 1-based): chr1:1,014,053, G>T. VCF-style: chr1-1014053-G-T. GRCh37 (hg19) VCF-style: chr1-949433-G-T.
Other names: short protein forms V25L.
Identifiers: ClinVar variation 1042671 (VCV001042671.8), dbSNP rs775288454, ClinGen allele CA507606.